The following is an entry in ClinVar:

NM_020207.7(ERCC6L2):c.869C>T (p.Ala290Val)

Gene: ERCC6L2 (ERCC excision repair 6 like 2; plus strand). Cytogenetic location: 9q22.32.
Variant type: single nucleotide variant.
Coding change: c.869C>T on transcript NM_020207.7 (MANE Select); coding-DNA position 869, C replaced by T.
Protein change: p.Ala290Val; replaces alanine 290 with valine.
Molecular consequence: missense variant. On other transcripts: non-coding transcript variant (1).
Genome position (GRCh38, 1-based): chr9:95,915,748, C>T. VCF-style: chr9-95915748-C-T. GRCh37 (hg19) VCF-style: chr9-98678030-C-T.
Other names: c.869C>T, p.Ala290Val (NM_001010895.4, NM_001375291.1, NM_001375292.1 and 2 more transcripts); short protein forms A290V.
Identifiers: ClinVar variation 1973286 (VCV001973286.6), dbSNP rs773122901, ClinGen allele CA5139402.
Genomic context (GRCh38, chr9:95,915,748, plus strand): 5'-TTGTGGATGAAGCTCATAGAATCAAGAATCCAAAAGCTAGAGTAACAGAAGTTATGAAAG[C>T]TTTGAAATGTAATGTCCGCATTGGCCTCACTGGAACCATCCTTCAGAACAACATGAAGGA-3'
Protein context (NP_064592.3, residues 280-300): PKARVTEVMK[Ala290Val]LKCNVRIGLT

ClinVar aggregate classification (germline): Uncertain significance. Review status: criteria provided, multiple submitters, no conflicts (2 of 4 stars). 2 submissions from 2 submitters: Uncertain significance (2). Last evaluated 2024-12-20.

Conditions:
Inborn genetic diseases. Identifiers: MedGen C0950123, MeSH D030342.

Allele frequency attached by ClinVar (database versions not stated): ExAC 0.00002.
gnomAD v4.1: 8 of 1,613,922 alleles (0.0005%); highest among the groups gnomAD compares: Non-Finnish European, 0.00034%; no homozygotes.

Submissions (2):

Ambry Genetics
Classification: Uncertain significance for Inborn genetic diseases. Last evaluated: 2024-12-20. Review status: criteria provided, single submitter. Criteria: Ambry Variant Classification Scheme 2023. Collection method: clinical testing. Allele origin: germline.
Comment: The p.A290V variant (also known as c.869C>T), located in coding exon 5 of the ERCC6L2 gene, results from a C to T substitution at nucleotide position 869. The alanine at codon 290 is replaced by valine, an amino acid with similar properties. This amino acid position is conserved. In addition, the in silico prediction for this alteration is inconclusive. Based on the available evidence, the clinical significance of this variant remains unclear.

Labcorp Genetics (formerly Invitae), Labcorp
Classification: Uncertain significance. Last evaluated: 2024-08-19. Review status: criteria provided, single submitter. Criteria: Invitae Variant Classification Sherloc (09022015). Collection method: clinical testing. Allele origin: germline.
Comment: This sequence change replaces alanine, which is neutral and non-polar, with valine, which is neutral and non-polar, at codon 301 of the ERCC6L2 protein (p.Ala301Val). This variant is present in population databases (rs773122901, gnomAD 0.004%). This variant has not been reported in the literature in individuals affected with ERCC6L2-related conditions. ClinVar contains an entry for this variant (Variation ID: 1973286). Experimental studies and prediction algorithms are not available or were not evaluated, and the functional significance of this variant is currently unknown. In summary, the available evidence is currently insufficient to determine the role of this variant in disease. Therefore, it has been classified as a Variant of Uncertain Significance.